The following is an entry in ClinVar:

ClinVar aggregate classification (germline): Uncertain significance (1 of 4 stars; one submission).

Conditions:
Hereditary cancer-predisposing syndrome. Also called: Hereditary Cancer Syndrome; Hereditary neoplastic syndrome; Neoplastic Syndromes, Hereditary; Tumor predisposition. Identifiers: Orphanet 140162, MedGen C0027672, MeSH D009386, MONDO:0015356.

Submission:

Ambry Genetics
Classification: Uncertain significance for Hereditary cancer-predisposing syndrome. Last evaluated: 2025-07-03. Review status: criteria provided, single submitter. Criteria: Ambry Variant Classification Scheme 2023. Collection method: clinical testing. Allele origin: germline.
Comment: The p.L7P variant (also known as c.20T>C), located in coding exon 1 of the EPCAM gene, results from a T to C substitution at nucleotide position 20. The leucine at codon 7 is replaced by proline, an amino acid with similar properties. This amino acid position is conserved. In addition, the in silico prediction for this alteration is inconclusive. Based on the available evidence, the clinical significance of this variant remains unclear.

NM_002354.3(EPCAM):c.20T>C (p.Leu7Pro)

Gene: EPCAM (epithelial cell adhesion molecule; plus strand). Cytogenetic location: 2p21.
Variant type: single nucleotide variant.
Coding change: c.20T>C on transcript NM_002354.3 (MANE Select); coding-DNA position 20, T replaced by C.
Protein change: p.Leu7Pro; replaces leucine 7 with proline.
Molecular consequence: missense variant.
Genome position (GRCh38, 1-based): chr2:47,369,525, T>C. VCF-style: chr2-47369525-T-C. GRCh37 (hg19) VCF-style: chr2-47596664-T-C.
Other names: short protein forms L7P.
Identifiers: ClinVar variation 4249679 (VCV004249679.1).
Genomic context (GRCh38, chr2:47,369,525, plus strand): 5'-CCGGGCCCCTCCCGCGCCCCTCTTCTCGGCGCGCGCGCAGCATGGCGCCCCCGCAGGTCC[T>C]CGCGTTCGGGCTTCTGCTTGCCGCGGCGACGGCGACTTTTGCCGCAGCTCAGGAAGGTGA-3'
Protein context (NP_002345.2, residues 1-17): MAPPQV[Leu7Pro]AFGLLLAAAT